The following is an entry in ClinVar:

ClinVar aggregate classification (germline): Uncertain significance (1 of 4 stars; one submission).

Allele frequency attached by ClinVar (database versions not stated): gnomAD exomes below 0.00001; TOPMed below 0.00001; gnomAD 0.00001.
gnomAD v4.1: 3 of 1,611,314 alleles (0.00019%); highest among the groups gnomAD compares: African/African-American, 0.0013%; no homozygotes.

Submission:

Women's Health and Genetics/Laboratory Corporation of America, LabCorp
Classification: Uncertain significance. Last evaluated: 2023-09-11. Review status: criteria provided, single submitter. Criteria: LabCorp Variant Classification Summary - May 2015. Collection method: clinical testing. Allele origin: germline.
Comment: Variant summary: RNASEH1 c.510-2A>G is located in a canonical splice-site and is predicted to affect mRNA splicing resulting in a significantly altered protein due to either exon skipping, shortening, or inclusion of intronic material. Several computational tools predict a significant impact on normal splicing: Three predict the variant abolishes a 3 acceptor site. However, these predictions have yet to be confirmed by functional studies, and loss-of-function has not been confirmed as the molecular mechanism of disease for variants in the RNASEH1 gene. The variant allele was found at a frequency of 4e-06 in 250256 control chromosomes. The available data on variant occurrences in the general population are insufficient to allow any conclusion about variant significance. To our knowledge, no occurrence of c.510-2A>G in individuals affected with Progressive External Ophthalmoplegia With Mitochondrial DNA Deletions, Autosomal Recessive 2 and no experimental evidence demonstrating its impact on protein function have been reported. No submitters have cited clinical-significance assessments for this variant to ClinVar after 2014. Based on the evidence outlined above, the variant was classified as uncertain significance.

NM_002936.6(RNASEH1):c.510-2A>G

Gene: RNASEH1 (ribonuclease H1; minus strand). Cytogenetic location: 2p25.3.
Variant type: single nucleotide variant.
Coding change: c.510-2A>G on transcript NM_002936.6 (MANE Select); the canonical splice acceptor site of the intron before coding-DNA position 510, A replaced by G.
Molecular consequence: splice acceptor variant. On other transcripts: intron variant (1).
Genome position (GRCh38, 1-based): chr2:3,549,114, T>C on the plus strand (A>G on the coding strand, the complement: RNASEH1 is on the minus strand). VCF-style: chr2-3549114-T-C. GRCh37 (hg19) VCF-style: chr2-3596704-T-C.
Other names: c.507-2A>G (NM_001378272.1); c.510-17A>G (NM_001378273.1); c.432-2A>G (NM_001286834.3); c.510-2A>G (NM_001378271.1); c.159-2A>G (NM_001286837.3).
Identifiers: ClinVar variation 2627184 (VCV002627184.1), dbSNP rs1369476721, ClinGen allele CA345736990.